The following is an entry in ClinVar:

NM_000368.5(TSC1):c.2447A>C (p.Lys816Thr)

Gene: TSC1 (TSC complex subunit 1; minus strand). Cytogenetic location: 9q34.13.
Variant type: single nucleotide variant.
Coding change: c.2447A>C on transcript NM_000368.5 (MANE Select); coding-DNA position 2447, A replaced by C.
Protein change: p.Lys816Thr; replaces lysine 816 with threonine.
Molecular consequence: missense variant. On other transcripts: non-coding transcript variant (5).
Genome position (GRCh38, 1-based): chr9:132,901,644, T>G on the plus strand (A>C on the coding strand, the complement: TSC1 is on the minus strand). VCF-style: chr9-132901644-T-G. GRCh37 (hg19) VCF-style: chr9-135777031-T-G.
Other names: c.2444A>C, p.Lys815Thr (NM_001162426.2, NM_001406597.1, NM_001406598.1 and 4 more transcripts); c.2294A>C, p.Lys765Thr (NM_001162427.2, NM_001406610.1); c.2084A>C, p.Lys695Thr (NM_001362177.2, NM_001406614.1, NM_001406615.1 and 5 more transcripts); c.2447A>C, p.Lys816Thr (NM_001406592.1, NM_001406593.1, NM_001406594.1 and 5 more transcripts); c.2432A>C, p.Lys811Thr (NM_001406601.1, NM_001406602.1); c.2429A>C, p.Lys810Thr (NM_001406603.1, NM_001406604.1); c.2291A>C, p.Lys764Thr (NM_001406611.1, NM_001406612.1, NM_001406613.1); c.2081A>C, p.Lys694Thr (NM_001406620.1, NM_001406621.1, NM_001406622.1 and 2 more transcripts); and 3 more; short protein forms K498T, K694T, K765T, K816T, K764T, K815T, K695T, K811T.
Identifiers: ClinVar variation 4554253 (VCV004554253.1).
Genomic context (GRCh38, chr9:132,901,644, plus strand): 5'-CTTACCTTTTGGGAAACCTGACTGAGCAGCAGCTCAGTGTGACACACCTTGTTGTTGGCC[T>G]TCTTCAGTTCTATCCGCAGCTCCGCAATCATGTTCCTGCAGTCCTCCAGCTTCGTCTGCC-3'
Protein context (NP_000359.1, residues 806-826): MIAELRIELK[Lys816Thr]ANNKVCHTEL

ClinVar aggregate classification (germline): Uncertain significance (1 of 4 stars; one submission).

Conditions:
Hereditary cancer-predisposing syndrome. Also called: Tumor predisposition; Hereditary Cancer Syndrome; Hereditary neoplastic syndrome; Neoplastic Syndromes, Hereditary. Identifiers: Orphanet 140162, MedGen C0027672, MeSH D009386, MONDO:0015356.

Submission:

Ambry Genetics
Classification: Uncertain significance for Hereditary cancer-predisposing syndrome. Last evaluated: 2025-10-14. Review status: criteria provided, single submitter. Criteria: Ambry Variant Classification Scheme 2023. Collection method: clinical testing. Allele origin: germline.
Comment: The p.K816T variant (also known as c.2447A>C), located in coding exon 17 of the TSC1 gene, results from an A to C substitution at nucleotide position 2447. The lysine at codon 816 is replaced by threonine, an amino acid with similar properties. This amino acid position is conserved. In addition, the in silico prediction for this alteration is inconclusive. Based on the available evidence, the clinical significance of this variant remains unclear.